The following is an entry in ClinVar:

ClinVar aggregate classification (germline): Likely benign. Review status: criteria provided, multiple submitters, no conflicts (2 of 4 stars). 3 submissions from 3 submitters: Likely benign (2). 1 of the submissions does not count toward it. Last evaluated 2025-09-10.

Conditions:
Kabuki syndrome. Also called: Kabuki make-up syndrome; NIIKAWA-KUROKI SYNDROME. Identifiers: Orphanet 2322, MedGen C0796004, MONDO:0016512.
KMT2D-related disorder. Also called: KMT2D-Related Disorders.

Allele frequency attached by ClinVar (database versions not stated): gnomAD 0.00003.
gnomAD v4.1: 11 of 1,586,790 alleles (0.00069%); highest among the groups gnomAD compares: Middle Eastern, 0.17%; no homozygotes.

Submissions (3):

Labcorp Genetics (formerly Invitae), Labcorp
Classification: Likely benign for Kabuki syndrome. Last evaluated: 2025-09-10. Review status: criteria provided, single submitter. Criteria: Invitae Variant Classification Sherloc (09022015). Collection method: clinical testing. Allele origin: germline.

Blueprint Genetics
Classification: Likely benign. Last evaluated: 2021-02-26. Review status: criteria provided, single submitter. Criteria: ACMG Guidelines, 2015. Collection method: clinical testing. Allele origin: germline.

PreventionGenetics, part of Exact Sciences
Classification: Likely benign for KMT2D-related condition. Last evaluated: 2021-02-04. Review status: no assertion criteria provided. Collection method: clinical testing. Allele origin: germline. Not counted in ClinVar's aggregate classification.
Comment: This variant is classified as likely benign based on ACMG/AMP sequence variant interpretation guidelines (Richards et al. 2015 PMID: 25741868, with internal and published modifications).

NM_003482.4(KMT2D):c.2798-8C>G

Gene: KMT2D (lysine methyltransferase 2D; minus strand). Cytogenetic location: 12q13.12.
Variant type: single nucleotide variant.
Coding change: c.2798-8C>G on transcript NM_003482.4 (MANE Select); 8 bases into the intron before coding-DNA position 2798, C replaced by G.
Molecular consequence: intron variant.
Genome position (GRCh38, 1-based): chr12:49,050,798, G>C on the plus strand (C>G on the coding strand, the complement: KMT2D is on the minus strand). VCF-style: chr12-49050798-G-C. GRCh37 (hg19) VCF-style: chr12-49444581-G-C.
Identifiers: ClinVar variation 1590233 (VCV001590233.11), dbSNP rs867926537, ClinGen allele CA10642437.